The following is an entry in ClinVar:

ClinVar aggregate classification (germline): Likely pathogenic (1 of 4 stars; one submission).

Submission:

Labcorp Genetics (formerly Invitae), Labcorp
Classification: Likely pathogenic. Last evaluated: 2022-06-17. Review status: criteria provided, single submitter. Criteria: Invitae Variant Classification Sherloc (09022015). Collection method: clinical testing. Allele origin: germline.
Comment: This variant is not present in population databases (gnomAD no frequency). This sequence change affects a donor splice site in intron 1 of the PPP2CA gene. It is expected to disrupt RNA splicing. Variants that disrupt the donor or acceptor splice site typically lead to a loss of protein function (PMID: 16199547), and loss-of-function variants in PPP2CA are known to be pathogenic (PMID: 30595372). This variant has not been reported in the literature in individuals affected with PPP2CA-related conditions. In summary, the currently available evidence indicates that the variant is pathogenic, but additional data are needed to prove that conclusively. Therefore, this variant has been classified as Likely Pathogenic. Algorithms developed to predict the effect of sequence changes on RNA splicing suggest that this variant may disrupt the consensus splice site.

Literature cited by the submitters: PubMed 16199547; PubMed 30595372.

NM_002715.4(PPP2CA):c.102+1G>A

Genes: MIR3661 (microRNA 3661; plus strand), PPP2CA (protein phosphatase 2 catalytic subunit alpha; minus strand). Cytogenetic location: 5q31.1.
Variant type: single nucleotide variant.
Coding change: c.102+1G>A on transcript NM_002715.4 (MANE Select); the canonical splice donor site of the intron after coding-DNA position 102, G replaced by A.
Molecular consequence: splice donor variant. On other transcripts: non-coding transcript variant (1).
Genome position (GRCh38, 1-based): chr5:134,225,759, C>T on the plus strand (G>A on the coding strand, the complement: PPP2CA is on the minus strand). VCF-style: chr5-134225759-C-T. GRCh37 (hg19) VCF-style: chr5-133561450-C-T.
Identifiers: ClinVar variation 2007661 (VCV002007661.4), dbSNP rs2481101671, ClinGen allele CA360995836.